The following is an entry in ClinVar:

ClinVar aggregate classification (germline): Likely benign. Review status: criteria provided, multiple submitters, no conflicts (2 of 4 stars). 2 submissions from 2 submitters: Likely benign (2). Last evaluated 2025-01-14.

Allele frequency attached by ClinVar (database versions not stated): ExAC 0.00008; 1000 Genomes Project 30x 0.00016; 1000 Genomes Project 0.00020; gnomAD 0.00025; TOPMed 0.00028; ESP Exome Variant Server 0.00054.

Submissions (2):

Labcorp Genetics (formerly Invitae), Labcorp
Classification: Likely benign. Last evaluated: 2025-01-14. Review status: criteria provided, single submitter. Criteria: Invitae Variant Classification Sherloc (09022015). Collection method: clinical testing. Allele origin: germline.

Women's Health and Genetics/Laboratory Corporation of America, LabCorp
Classification: Likely benign. Last evaluated: 2024-07-30. Review status: criteria provided, single submitter. Criteria: LabCorp Variant Classification Summary - May 2015. Collection method: clinical testing. Allele origin: germline.
Comment: Variant summary: FECH c.1032G>A alters a non-conserved nucleotide resulting in a synonymous change. Consensus agreement among computation tools predict no significant impact on normal splicing. However, these predictions have yet to be confirmed by functional studies. The variant allele was found at a frequency of 6.8e-05 in 251440 control chromosomes (gnomAD). This frequency is not significantly higher than estimated for a pathogenic variant in FECH causing Protoporphyria, Erythropoietic, 1, allowing no conclusion about variant significance. To our knowledge, no occurrence of c.1032G>A in individuals affected with Protoporphyria, Erythropoietic, 1 and no experimental evidence demonstrating its impact on protein function have been reported. ClinVar contains an entry for this variant (Variation ID: 2729763). Based on the evidence outlined above, the variant was classified as likely benign.

NM_000140.5(FECH):c.1032G>A (p.Thr344=)

Gene: FECH (ferrochelatase; minus strand). Cytogenetic location: 18q21.31.
Variant type: single nucleotide variant.
Coding change: c.1032G>A on transcript NM_000140.5 (MANE Select); coding-DNA position 1032, G replaced by A.
Protein change: p.Thr344=; no amino-acid change (threonine 344 retained).
Molecular consequence: synonymous variant.
Genome position (GRCh38, 1-based): chr18:57,554,305, C>T on the plus strand (G>A on the coding strand, the complement: FECH is on the minus strand). VCF-style: chr18-57554305-C-T. GRCh37 (hg19) VCF-style: chr18-55221537-C-T.
Other names: c.1050G>A, p.Thr350= (NM_001012515.4); c.933G>A, p.Thr311= (NM_001371094.1); c.816G>A, p.Thr272= (NM_001371095.1); c.1032G>A, p.Thr344= (NM_001374778.1).
Identifiers: ClinVar variation 2729763 (VCV002729763.4), dbSNP rs140758357, ClinGen allele CA8973016.
Genomic context (GRCh38, chr18:57,554,305, plus strand): 5'-GATGGGTGCATTTACCTCCTTGGCTAAAACTTGAGAGTACTCGATGTCCAGCTCATACAG[C>T]GTTTCAATATGGTCACTGGTAAATGCTATCGGAACCAAGAGGATATTCTTCCTCCCCCTC-3'
Protein context (NP_000131.2, residues 334-354): PIAFTSDHIE[Thr344=]LYELDIEYSQ